The following is an entry in ClinVar:

ClinVar aggregate classification (germline): Uncertain significance. Review status: criteria provided, multiple submitters, no conflicts (2 of 4 stars). 2 submissions from 2 submitters: Uncertain significance (2). Last evaluated 2025-06-25.

Conditions:
DICER1-related tumor predisposition. Also called: DICER1-related pleuropulmonary blastoma cancer predisposition syndrome; DICER1 syndrome. Identifiers: Orphanet 284343, MedGen C3839822, MONDO:0100216.
Global developmental delay - lung cysts - overgrowth - Wilms tumor syndrome. Also called: GLOW Syndrome; GLOBAL DEVELOPMENTAL DELAY, LUNG CYSTS, OVERGROWTH, AND WILMS TUMOR. Identifiers: Orphanet 404476, MedGen C4748924, MONDO:0018445, OMIM 618272.

Submissions (2):

Labcorp Genetics (formerly Invitae), Labcorp
Classification: Uncertain significance for DICER1-related tumor predisposition. Last evaluated: 2025-06-25. Review status: criteria provided, single submitter. Criteria: Invitae Variant Classification Sherloc (09022015). Collection method: clinical testing. Allele origin: germline.
Comment: This sequence change replaces leucine, which is neutral and non-polar, with proline, which is neutral and non-polar, at codon 1583 of the DICER1 protein (p.Leu1583Pro). This variant is not present in population databases (gnomAD no frequency). This variant has not been reported in the literature in individuals affected with DICER1-related conditions. ClinVar contains an entry for this variant (Variation ID: 2674821). Invitae Evidence Modeling of protein sequence and biophysical properties (such as structural, functional, and spatial information, amino acid conservation, physicochemical variation, residue mobility, and thermodynamic stability) has been performed for this missense variant. However, the output from this modeling did not meet the statistical confidence thresholds required to predict the impact of this variant on DICER1 protein function. In summary, the available evidence is currently insufficient to determine the role of this variant in disease. Therefore, it has been classified as a Variant of Uncertain Significance.

Baylor Genetics
Classification: Uncertain significance for Global developmental delay - lung cysts - overgrowth - Wilms tumor syndrome. Last evaluated: 2023-06-25. Review status: criteria provided, single submitter. Criteria: ACMG Guidelines, 2015. Collection method: clinical testing. Allele origin: unknown.

NM_177438.3(DICER1):c.4748T>C (p.Leu1583Pro)

Gene: DICER1 (dicer 1, ribonuclease III; minus strand). Cytogenetic location: 14q32.13.
Variant type: single nucleotide variant.
Coding change: c.4748T>C on transcript NM_177438.3 (MANE Select); coding-DNA position 4748, T replaced by C.
Protein change: p.Leu1583Pro; replaces leucine 1583 with proline.
Molecular consequence: missense variant. On other transcripts: non-coding transcript variant (6).
Genome position (GRCh38, 1-based): chr14:95,096,172, A>G on the plus strand (T>C on the coding strand, the complement: DICER1 is on the minus strand). VCF-style: chr14-95096172-A-G. GRCh37 (hg19) VCF-style: chr14-95562509-A-G.
Other names: c.4748T>C, p.Leu1583Pro (NM_001195573.1, NM_001271282.3, NM_001291628.2 and 13 more transcripts); c.4466T>C, p.Leu1489Pro (NM_001395686.1); c.4343T>C, p.Leu1448Pro (NM_001395687.1, NM_001395688.1, NM_001395689.1 and 2 more transcripts); c.4181T>C, p.Leu1394Pro (NM_001395691.1); c.3065T>C, p.Leu1022Pro (NM_001395697.1); short protein forms L1022P, L1394P, L1448P, L1489P, L1583P.
Identifiers: ClinVar variation 2674821 (VCV002674821.2), dbSNP rs137852976, ClinGen allele CA390867330.